The following is an entry in ClinVar:

NM_001039141.3(TRIOBP):c.3854_3855del (p.Arg1285fs)

Gene: TRIOBP (TRIO and F-actin binding protein; plus strand). Cytogenetic location: 22q13.1.
Variant type: Microsatellite.
Coding change: c.3854_3855del on transcript NM_001039141.3 (MANE Select); coding-DNA positions 3854 to 3855, 2 bases deleted (GA; older notation c.3854_3855delGA).
Protein change: p.Arg1285fs; shifts the reading frame from arginine 1285.
Molecular consequence: frameshift variant.
Genome position (GRCh38, 1-based): chr22:37,726,410-37,726,411, GA deleted; deleting any 2 consecutive bases within chr22:37,726,407-37,726,411 gives the same sequence; the c. name uses the placement nearest the transcript's 3' end. VCF-style (leftmost placement, unchanged base first): chr22-37726406-CAG-C. GRCh37 (hg19) VCF-style: chr22-38122413-CAG-C.
Other names: p.Arg1285Thrfs*95; c.3854_3855delGA (NM_001039141.2); short protein forms R1285fs.
Identifiers: ClinVar variation 286425 (VCV000286425.21), dbSNP rs750744696, ClinGen allele CA10224231.

ClinVar aggregate classification (germline): Conflicting classifications of pathogenicity. Review status: criteria provided, conflicting classifications (1 of 4 stars). 8 submissions from 8 submitters: Pathogenic (1); Likely pathogenic (5); Uncertain significance (2). Last evaluated 2026-08-16.

Conditions:
TRIOBP-related disorder. Also called: TRIOBP-related condition.
Autosomal recessive nonsyndromic hearing loss 28. Identifiers: Orphanet 90636, MedGen C1853276, MONDO:0012355, OMIM 609823.
Monogenic hearing loss.

Submissions (8):

GeneDx
Classification: Uncertain significance. Last evaluated: 2026-08-16. Review status: criteria provided, single submitter. Criteria: GeneDx Variant Classification Process June 2021. Collection method: clinical testing. Allele origin: germline.
Comment: Has not been previously published as pathogenic or benign to our knowledge; Frameshift variant predicted to result in protein truncation or nonsense mediated decay in a gene for which loss of function is a known mechanism of disease; This variant is associated with the following publications: (PMID: 36147510)

Genetics Laboratory, Great Ormond Street Hospital NHS Foundation Trust, North Thames Genomic Laboratory Hub
Classification: Uncertain significance for Monogenic hearing loss. Last evaluated: 2026-07-17. Review status: criteria provided, single submitter. Criteria: ACGS Best Practice Guidelines for Variant Classification in Rare Disease 2024 v1.2. Collection method: clinical testing. Allele origin: germline. Affected: yes.
Comment: PVS1_very-strong

PreventionGenetics, part of Exact Sciences
Classification: Likely pathogenic for TRIOBP-related condition. Last evaluated: 2026-07-07. Review status: criteria provided, single submitter. Criteria: ACMG Guidelines, 2015. Collection method: clinical testing. Allele origin: germline.
Comment: The TRIOBP c.3854_3855delGA variant is predicted to result in a frameshift and premature protein termination (p.Arg1285Thrfs*95). To our knowledge, this variant has not been reported in the literature. This variant is reported in 0.010% of alleles in individuals of European (Non-Finnish) descent in gnomAD. Frameshift variants in TRIOBP are expected to be pathogenic. This variant is interpreted as likely pathogenic.

Variantyx, Inc.
Classification: Likely pathogenic for Autosomal recessive nonsyndromic hearing loss 28. Last evaluated: 2025-05-13. Review status: criteria provided, single submitter. Criteria: Variantyx Assertion Criteria 2022. Collection method: clinical testing. Allele origin: germline. Inheritance: Autosomal recessive inheritance. Affected: no.
Comment: This is a frameshift variant in the TRIOBP gene (OMIM: 609761). Pathogenic variants in this gene have been associated with autosomal recessive deafness 28. This variant introduces a premature termination codon in exon 7 out of 24and is expected to result in loss of function, which is a known disease mechanism for TRIOBP in this disorder (PMID:16385458) (PVS1). This variant has a 0.0107% maximum allele frequency in non-founder control populations (PM2) and it has not been reported in individuals with TRIOBP-related disorders in the databases available for review. Based on the current evidence, this variant is classified as likely pathogenic for autosomal recessive deafness 28.

Labcorp Genetics (formerly Invitae), Labcorp
Classification: Pathogenic. Last evaluated: 2022-12-18. Review status: criteria provided, single submitter. Criteria: Invitae Variant Classification Sherloc (09022015). Collection method: clinical testing. Allele origin: germline.
Comment: For these reasons, this variant has been classified as Pathogenic. This sequence change creates a premature translational stop signal (p.Arg1285Thrfs*95) in the TRIOBP gene. It is expected to result in an absent or disrupted protein product. Loss-of-function variants in TRIOBP are known to be pathogenic (PMID: 16385457, 16385458, 20510926). This variant is present in population databases (rs750744696, gnomAD 0.01%). This variant has not been reported in the literature in individuals affected with TRIOBP-related conditions. ClinVar contains an entry for this variant (Variation ID: 286425).

Mayo Clinic Laboratories, Mayo Clinic
Classification: Likely pathogenic. Last evaluated: 2022-12-05. Review status: criteria provided, single submitter. Criteria: ACMG Guidelines, 2015. Collection method: clinical testing. Allele origin: germline. Observed: 1 variant allele.
Comment: PM2, PVS1

Department of Pathology and Laboratory Medicine, Sinai Health System
Classification: Likely pathogenic for Autosomal recessive nonsyndromic hearing loss 28. Last evaluated: 2022-11-29. Review status: criteria provided, single submitter. Criteria: ACMG Guidelines, 2015. Collection method: research. Allele origin: germline.

Eurofins Ntd Llc (ga)
Classification: Likely pathogenic. Last evaluated: 2016-03-25. Review status: criteria provided, single submitter. Criteria: EGL Classification Definitions 2015. Collection method: clinical testing. Allele origin: germline. Observed: 1 variant allele, 1 heterozygote.

Literature cited by the submitters: PubMed 16385458 (cited by Variantyx, Inc. and Labcorp Genetics (formerly Invitae), Labcorp); PubMed 16385457 (cited by Labcorp Genetics (formerly Invitae), Labcorp); PubMed 20510926 (cited by Labcorp Genetics (formerly Invitae), Labcorp).